The following is an entry in ClinVar:

ClinVar aggregate classification (germline): Uncertain significance (1 of 4 stars; one submission).

Conditions:
Cardiovascular phenotype. Identifiers: MedGen CN230736.

Submission:

Ambry Genetics
Classification: Uncertain significance for Cardiovascular phenotype. Last evaluated: 2024-04-28. Review status: criteria provided, single submitter. Criteria: Ambry Variant Classification Scheme 2023. Collection method: clinical testing. Allele origin: germline.
Comment: The p.S351N variant (also known as c.1052G>A), located in coding exon 9 of the DSG2 gene, results from a G to A substitution at nucleotide position 1052. The serine at codon 351 is replaced by asparagine, an amino acid with highly similar properties. This amino acid position is conserved. In addition, this alteration is predicted to be tolerated by in silico analysis. Based on the available evidence, the clinical significance of this variant remains unclear.

NM_001943.5(DSG2):c.1052G>A (p.Ser351Asn)

Gene: DSG2 (desmoglein 2; plus strand). Cytogenetic location: 18q12.1.
Variant type: single nucleotide variant.
Coding change: c.1052G>A on transcript NM_001943.5 (MANE Select); coding-DNA position 1052, G replaced by A.
Protein change: p.Ser351Asn; replaces serine 351 with asparagine.
Molecular consequence: missense variant.
Genome position (GRCh38, 1-based): chr18:31,531,024, G>A. VCF-style: chr18-31531024-G-A. GRCh37 (hg19) VCF-style: chr18-29110987-G-A.
Other names: short protein forms S351N.
Identifiers: ClinVar variation 3273858 (VCV003273858.1).